The following is an entry in ClinVar:

ClinVar aggregate classification (germline): Pathogenic/Likely pathogenic. Review status: criteria provided, multiple submitters, no conflicts (2 of 4 stars). 4 submissions from 4 submitters: Pathogenic (2); Likely pathogenic (1). 1 of the submissions does not count toward it. Last evaluated 2024-01-22.

Conditions:
Fanconi anemia complementation group G. Also called: FANCG-Related Fanconi Anemia; Fanconi anemia group G. Identifiers: Orphanet 84, MedGen C3469527, MONDO:0013565, OMIM 614082.
Fanconi anemia (FA). Also called: Fanconi's anemia. Identifiers: Orphanet 84, MedGen C0015625, MeSH D005199, MONDO:0019391.

Allele frequency attached by ClinVar (database versions not stated): TOPMed below 0.00001; gnomAD 0.00001; gnomAD exomes 0.00001.
gnomAD v4.1: 21 of 1,605,772 alleles (0.0013%); highest among the groups gnomAD compares: Non-Finnish European, 0.0017%; no homozygotes.

Submissions (4):

Fulgent Genetics
Classification: Pathogenic for Fanconi anemia complementation group G. Last evaluated: 2024-01-22. Review status: criteria provided, single submitter. Criteria: ACMG Guidelines, 2015. Collection method: clinical testing. Allele origin: germline.

Baylor Genetics
Classification: Pathogenic for Fanconi anemia complementation group G. Last evaluated: 2023-05-20. Review status: criteria provided, single submitter. Criteria: ACMG Guidelines, 2015. Collection method: clinical testing. Allele origin: unknown.

Labcorp Genetics (formerly Invitae), Labcorp
Classification: Likely pathogenic for Fanconi anemia. Last evaluated: 2021-09-20. Review status: criteria provided, single submitter. Criteria: Invitae Variant Classification Sherloc (09022015). Collection method: clinical testing. Allele origin: germline.
Comment: This variant is not present in population databases (ExAC no frequency). This sequence change affects a donor splice site in intron 2 of the FANCG gene. It is expected to disrupt RNA splicing. Variants that disrupt the donor or acceptor splice site typically lead to a loss of protein function (PMID: 16199547), and loss-of-function variants in FANCG are known to be pathogenic (PMID: 12552564). Disruption of this splice site has been observed in individual(s) with FANCG-related conditions (PMID: 11093276). In summary, the currently available evidence indicates that the variant is pathogenic, but additional data are needed to prove that conclusively. Therefore, this variant has been classified as Likely Pathogenic. Algorithms developed to predict the effect of sequence changes on RNA splicing suggest that this variant may disrupt the consensus splice site. ClinVar contains an entry for this variant (Variation ID: 929674).

Leiden Open Variation Database
Classification: Pathogenic for Fanconi anemia complementation group G. Last evaluated: 2011-02-07. Review status: no assertion criteria provided. Collection method: curation. Allele origin: germline. Affected: yes. Not counted in ClinVar's aggregate classification.
Comment: Curator: Arleen D. Auerbach. Submitter to LOVD: Arleen D. Auerbach.

Literature cited by the submitters: PubMed 16199547 (cited by Labcorp Genetics (formerly Invitae), Labcorp); PubMed 12552564 (cited by Labcorp Genetics (formerly Invitae), Labcorp); PubMed 11093276 (cited by Labcorp Genetics (formerly Invitae), Labcorp and Leiden Open Variation Database); PubMed 16643430 (cited by Leiden Open Variation Database).

NM_004629.2(FANCG):c.175+1G>A

Gene: FANCG (FA complementation group G; minus strand). Cytogenetic location: 9p13.3.
Variant type: single nucleotide variant.
Coding change: c.175+1G>A on transcript NM_004629.2 (MANE Select); the canonical splice donor site of the intron after coding-DNA position 175, G replaced by A.
Molecular consequence: splice donor variant.
Genome position (GRCh38, 1-based): chr9:35,079,150, C>T on the plus strand (G>A on the coding strand, the complement: FANCG is on the minus strand). VCF-style: chr9-35079150-C-T. GRCh37 (hg19) VCF-style: chr9-35079147-C-T.
Identifiers: ClinVar variation 929674 (VCV000929674.9), dbSNP rs927868500, ClinGen allele CA192696962.